The following is an entry in ClinVar:

ClinVar aggregate classification (germline): Uncertain significance (1 of 4 stars; one submission).

Conditions:
Fanconi anemia (FA). Also called: Fanconi's anemia. Identifiers: Orphanet 84, MedGen C0015625, MeSH D005199, MONDO:0019391.

gnomAD v4.1: 2 of 1,613,940 alleles (0.00012%); no homozygotes.

Submission:

Labcorp Genetics (formerly Invitae), Labcorp
Classification: Uncertain significance for Fanconi anemia. Last evaluated: 2024-02-05. Review status: criteria provided, single submitter. Criteria: Invitae Variant Classification Sherloc (09022015). Collection method: clinical testing. Allele origin: germline.
Comment: This sequence change replaces arginine, which is basic and polar, with tryptophan, which is neutral and slightly polar, at codon 61 of the FANCF protein (p.Arg61Trp). This variant is present in population databases (no rsID available, gnomAD 0.004%). This variant has not been reported in the literature in individuals affected with FANCF-related conditions. Advanced modeling of protein sequence and biophysical properties (such as structural, functional, and spatial information, amino acid conservation, physicochemical variation, residue mobility, and thermodynamic stability) performed at Invitae indicates that this missense variant is expected to disrupt FANCF protein function with a positive predictive value of 80%. In summary, the available evidence is currently insufficient to determine the role of this variant in disease. Therefore, it has been classified as a Variant of Uncertain Significance.

NM_022725.4(FANCF):c.181C>T (p.Arg61Trp)

Gene: FANCF (FA complementation group F; minus strand). Cytogenetic location: 11p14.3.
Variant type: single nucleotide variant.
Coding change: c.181C>T on transcript NM_022725.4 (MANE Select); coding-DNA position 181, C replaced by T.
Protein change: p.Arg61Trp; replaces arginine 61 with tryptophan.
Molecular consequence: missense variant.
Genome position (GRCh38, 1-based): chr11:22,625,630, G>A on the plus strand (C>T on the coding strand, the complement: FANCF is on the minus strand). VCF-style: chr11-22625630-G-A. GRCh37 (hg19) VCF-style: chr11-22647176-G-A.
Other names: short protein forms R61W.
Identifiers: ClinVar variation 3605158 (VCV003605158.2).